The following is an entry in ClinVar:

NM_020806.5(GPHN):c.589C>A (p.Pro197Thr)

Gene: GPHN (gephyrin; plus strand). Cytogenetic location: 14q23.3.
Variant type: single nucleotide variant.
Coding change: c.589C>A on transcript NM_020806.5 (MANE Select); coding-DNA position 589, C replaced by A.
Protein change: p.Pro197Thr; replaces proline 197 with threonine.
Molecular consequence: missense variant.
Genome position (GRCh38, 1-based): chr14:66,922,798, C>A. VCF-style: chr14-66922798-C-A. GRCh37 (hg19) VCF-style: chr14-67389515-C-A.
Other names: c.589C>A, p.Pro197Thr (NM_001024218.2, NM_001377515.1, NM_001377516.1 and 2 more transcripts); c.628C>A, p.Pro210Thr (NM_001377514.1, NM_001377519.1); short protein forms P197T, P210T.
Identifiers: ClinVar variation 1331167 (VCV001331167.2), dbSNP rs1567106682, ClinGen allele CA390256269.

ClinVar aggregate classification (germline): Uncertain significance (1 of 4 stars; one submission).

Submission:

GeneDx
Classification: Uncertain significance. Last evaluated: 2021-06-30. Review status: criteria provided, single submitter. Criteria: GeneDx Variant Classification Process June 2021. Collection method: clinical testing. Allele origin: germline. Affected: yes.
Comment: Not observed at significant frequency in large population cohorts (Lek et al., 2016); In silico analysis supports that this missense variant has a deleterious effect on protein structure/function; Has not been previously published as pathogenic or benign to our knowledge; This variant is associated with the following publications: (PMID: 27535533)